The following is an entry in ClinVar:

NC_000016.9:g.(?_624589)_(626254_?)del

Gene: PIGQ (phosphatidylinositol glycan anchor biosynthesis class Q; plus strand). Cytogenetic location: 16p13.3.
Variant type: Deletion.
Identifiers: ClinVar variation 1459251 (VCV001459251.5).

ClinVar aggregate classification (germline): Pathogenic (1 of 4 stars; one submission).

Conditions:
Epilepsy. Also called: Seizure disorder. Identifiers: MedGen C0014544, MeSH D004827, MONDO:0005027.

Submission:

Labcorp Genetics (formerly Invitae), Labcorp
Classification: Pathogenic for Epilepsy. Last evaluated: 2023-07-21. Review status: criteria provided, single submitter. Criteria: Invitae Variant Classification Sherloc (09022015). Collection method: clinical testing. Allele origin: germline.
Comment: For these reasons, this variant has been classified as Pathogenic. This variant has not been reported in the literature in individuals affected with PIGQ-related conditions. This variant results in the deletion of exons 3-4 and part of exon 2 (c.515_942del) of the PIGQ gene. This deletion is out-of-frame, and is expected to create a premature termination codon and result in an absent or disrupted protein product. Loss-of-function variants in PIGQ are known to be pathogenic (PMID: 24463883, 25558065).

Literature cited by the submitters: PubMed 24463883; PubMed 25558065.